The following is an entry in ClinVar:

ClinVar aggregate classification (germline): Uncertain significance (1 of 4 stars; one submission).

gnomAD v4.1: 2 of 1,602,344 alleles (0.00012%); highest among the groups gnomAD compares: African/African-American, 0.0027%; no homozygotes.

Submission:

Labcorp Genetics (formerly Invitae), Labcorp
Classification: Uncertain significance. Last evaluated: 2025-11-23. Review status: criteria provided, single submitter. Criteria: Invitae Variant Classification Sherloc (09022015). Collection method: clinical testing. Allele origin: germline.
Comment: This sequence change replaces leucine, which is neutral and non-polar, with valine, which is neutral and non-polar, at codon 470 of the GUF1 protein (p.Leu470Val). This variant is not present in population databases (gnomAD no frequency). This variant has not been reported in the literature in individuals affected with GUF1-related conditions. Invitae Evidence Modeling of protein sequence and biophysical properties (such as structural, functional, and spatial information, amino acid conservation, physicochemical variation, residue mobility, and thermodynamic stability) indicates that this missense variant is not expected to disrupt GUF1 protein function with a negative predictive value of 80%. In summary, the available evidence is currently insufficient to determine the role of this variant in disease. Therefore, it has been classified as a Variant of Uncertain Significance.

NM_021927.3(GUF1):c.1408T>G (p.Leu470Val)

Gene: GUF1 (GTP binding elongation factor GUF1; plus strand). Cytogenetic location: 4p12.
Variant type: single nucleotide variant.
Coding change: c.1408T>G on transcript NM_021927.3 (MANE Select); coding-DNA position 1408, T replaced by G.
Protein change: p.Leu470Val; replaces leucine 470 with valine.
Molecular consequence: missense variant.
Genome position (GRCh38, 1-based): chr4:44,690,789, T>G. VCF-style: chr4-44690789-T-G. GRCh37 (hg19) VCF-style: chr4-44692806-T-G.
Other names: c.436T>G, p.Leu146Val (NM_001345867.2, NM_001345869.2); c.1408T>G, p.Leu470Val (NM_001345868.2); short protein forms L146V, L470V.
Identifiers: ClinVar variation 4805127 (VCV004805127.1).